The following is an entry in ClinVar:

ClinVar aggregate classification (germline): Conflicting classifications of pathogenicity. Review status: criteria provided, conflicting classifications (1 of 4 stars). 2 submissions from 2 submitters: Uncertain significance (1); Likely benign (1). Last evaluated 2025-10-02.

Conditions:
Hereditary cancer-predisposing syndrome. Also called: Hereditary neoplastic syndrome; Neoplastic Syndromes, Hereditary; Hereditary Cancer Syndrome; Tumor predisposition. Identifiers: Orphanet 140162, MedGen C0027672, MeSH D009386, MONDO:0015356.
Ataxia-telangiectasia syndrome (AT). Also called: AT, COMPLEMENTATION GROUP C; Cerebello-oculocutaneous telangiectasia; Immunodeficiency with ataxia telangiectasia; Ataxia-telangiectasia, complementation group D; ATAXIA-TELANGIECTASIA, FRESNO VARIANT; Ataxia-telangiectasia, complementation group E. Identifiers: Orphanet 100, MedGen C0004135, MONDO:0008840, OMIM 208900.

Submissions (2):

Ambry Genetics
Classification: Likely benign for Hereditary cancer-predisposing syndrome. Last evaluated: 2025-10-02. Review status: criteria provided, single submitter. Criteria: Ambry Variant Classification Scheme 2023. Collection method: clinical testing. Allele origin: germline.

Labcorp Genetics (formerly Invitae), Labcorp
Classification: Uncertain significance for Ataxia-telangiectasia syndrome. Last evaluated: 2020-06-16. Review status: criteria provided, single submitter. Criteria: Invitae Variant Classification Sherloc (09022015). Collection method: clinical testing. Allele origin: germline.
Comment: This sequence change replaces threonine with alanine at codon 86 of the ATM protein (p.Thr86Ala). The threonine residue is highly conserved and there is a small physicochemical difference between threonine and alanine. This variant is not present in population databases (ExAC no frequency). This variant has not been reported in the literature in individuals with ATM-related disease. Algorithms developed to predict the effect of missense changes on protein structure and function output the following: SIFT: "Tolerated"; PolyPhen-2: "Benign"; Align-GVGD: "Class C0". The alanine amino acid residue is found in multiple mammalian species, suggesting that this missense change does not adversely affect protein function. These predictions have not been confirmed by published functional studies and their clinical significance is uncertain. In summary, the available evidence is currently insufficient to determine the role of this variant in disease. Therefore, it has been classified as a Variant of Uncertain Significance.

NM_000051.4(ATM):c.256A>G (p.Thr86Ala)

Gene: ATM (ATM serine/threonine kinase; plus strand). Cytogenetic location: 11q22.3.
Variant type: single nucleotide variant.
Coding change: c.256A>G on transcript NM_000051.4 (MANE Select); coding-DNA position 256, A replaced by G.
Protein change: p.Thr86Ala; replaces threonine 86 with alanine.
Molecular consequence: missense variant.
Genome position (GRCh38, 1-based): chr11:108,229,248, A>G. VCF-style: chr11-108229248-A-G. GRCh37 (hg19) VCF-style: chr11-108099975-A-G.
Other names: c.256A>G, p.Thr86Ala (NM_001351834.2, NM_001351835.2, NM_001351836.2); short protein forms T86A.
Identifiers: ClinVar variation 572358 (VCV000572358.9), dbSNP rs1565347018, ClinGen allele CA382521577.